The following is an entry in ClinVar:

NM_001005361.3(DNM2):c.*268A>T

Gene: DNM2 (dynamin 2; plus strand). Cytogenetic location: 19p13.2.
Variant type: single nucleotide variant.
Coding change: c.*268A>T on transcript NM_001005361.3 (MANE Select); 268 bases downstream of the stop codon, A replaced by T.
Molecular consequence: 3 prime UTR variant.
Genome position (GRCh38, 1-based): chr19:10,831,315, A>T. VCF-style: chr19-10831315-A-T. GRCh37 (hg19) VCF-style: chr19-10941991-A-T.
Other names: c.*268A>T (NM_001005360.3, NM_001005362.3, NM_001190716.2 and 1 more transcripts).
Identifiers: ClinVar variation 328005 (VCV000328005.9), dbSNP rs12461992, ClinGen allele CA10642172.

ClinVar aggregate classification (germline): Benign. Review status: criteria provided, multiple submitters, no conflicts (2 of 4 stars). 4 submissions from 3 submitters: Benign (4). Last evaluated 2018-06-19.

Conditions:
Autosomal dominant centronuclear myopathy. Also called: MYOTUBULAR MYOPATHY, AUTOSOMAL DOMINANT; Myopathy, centronuclear, 3. Identifiers: Orphanet 169189, MedGen C4551952, MeSH D020914, MONDO:0008048, OMIM 160150.
Charcot-Marie-Tooth disease dominant intermediate B (CMTDIB). Also called: CHARCOT-MARIE-TOOTH NEUROPATHY, DOMINANT INTERMEDIATE B; Charcot-Marie-Tooth disease dominant intermediate 1; CMT DI1; Charcot-Marie-Tooth disease dominant intermediate I. Identifiers: Orphanet 100044, Orphanet 228179, MedGen C1847902, MONDO:0011674, OMIM 606482.

Allele frequency attached by ClinVar (database versions not stated): gnomAD exomes 0.12442; gnomAD 0.17591 and 0.17892; TOPMed 0.18224; 1000 Genomes Project 30x 0.24703; 1000 Genomes Project 0.24980.
gnomAD v4.1: 165,037 of 1,252,482 alleles (13%); highest among the groups gnomAD compares: East Asian, 42%; 13,339 homozygotes.

Submissions (4):

GeneDx
Classification: Benign. Last evaluated: 2018-06-19. Review status: criteria provided, single submitter. Criteria: GeneDx Variant Classification Process June 2021. Collection method: clinical testing. Allele origin: germline. Affected: yes.

Illumina Laboratory Services, Illumina
Classification: Benign for Autosomal dominant centronuclear myopathy. Last evaluated: 2018-01-12. Review status: criteria provided, single submitter. Criteria: ICSL Variant Classification Criteria 13 December 2019. Collection method: clinical testing. Allele origin: germline.
Comment: This variant was observed in the ICSL laboratory as part of a predisposition screen in an ostensibly healthy population. It had not been previously curated by ICSL or reported in the Human Gene Mutation Database (HGMD: prior to June 1st, 2018), and was therefore a candidate for classification through an automated scoring system. Utilizing variant allele frequency, disease prevalence and penetrance estimates, and inheritance mode, an automated score was calculated to assess if this variant is too frequent to cause the disease. Based on the score and internal cut-off values, a variant classified as benign is not then subjected to further curation. The score for this variant resulted in a classification of benign for this disease.

Illumina Laboratory Services, Illumina
Classification: Benign for Charcot-Marie-Tooth disease dominant intermediate B. Last evaluated: 2018-01-12. Review status: criteria provided, single submitter. Criteria: ICSL Variant Classification Criteria 13 December 2019. Collection method: clinical testing. Allele origin: germline.
Comment: the same text as in the submission from Illumina Laboratory Services, Illumina above.

Breakthrough Genomics
Classification: Benign. Review status: criteria provided, single submitter. Criteria: ACMG Guidelines, 2015. Collection method: not provided. Allele origin: germline. Inheritance: Autosomal recessive inheritance. Affected: yes.